The following is an entry in ClinVar:

ClinVar aggregate classification (germline): Uncertain significance. Review status: criteria provided, multiple submitters, no conflicts (2 of 4 stars). 2 submissions from 2 submitters: Uncertain significance (2). Last evaluated 2026-07-07.

Conditions:
Hereditary cancer-predisposing syndrome. Also called: Neoplastic Syndromes, Hereditary; Hereditary Cancer Syndrome; Tumor predisposition; Hereditary neoplastic syndrome. Identifiers: Orphanet 140162, MedGen C0027672, MeSH D009386, MONDO:0015356.
Tuberous sclerosis 2 (TSC2). Identifiers: Orphanet 805, MedGen C1860707, MONDO:0013199, OMIM 613254.

Submissions (2):

Ambry Genetics
Classification: Uncertain significance for Hereditary cancer-predisposing syndrome. Last evaluated: 2026-07-07. Review status: criteria provided, single submitter. Criteria: Ambry Variant Classification Scheme 2023. Collection method: clinical testing. Allele origin: germline.
Comment: The p.L1083P variant (also known as c.3248T>C), located in coding exon 27 of the TSC2 gene, results from a T to C substitution at nucleotide position 3248. The leucine at codon 1083 is replaced by proline, an amino acid with similar properties. This amino acid position is conserved. In addition, this alteration is predicted to be deleterious by in silico analysis. Based on the available evidence, the clinical significance of this variant remains unclear.

Labcorp Genetics (formerly Invitae), Labcorp
Classification: Uncertain significance for Tuberous sclerosis 2. Last evaluated: 2019-08-20. Review status: criteria provided, single submitter. Criteria: Invitae Variant Classification Sherloc (09022015). Collection method: clinical testing. Allele origin: germline.
Comment: This sequence change replaces leucine with proline at codon 1083 of the TSC2 protein (p.Leu1083Pro). The leucine residue is highly conserved and there is a moderate physicochemical difference between leucine and proline. This variant is not present in population databases (ExAC no frequency). This variant has not been reported in the literature in individuals with TSC2-related conditions. Algorithms developed to predict the effect of missense changes on protein structure and function are either unavailable or do not agree on the potential impact of this missense change (SIFT: "Deleterious"; PolyPhen-2: "Benign"; Align-GVGD: "Class C0"). In summary, the available evidence is currently insufficient to determine the role of this variant in disease. Therefore, it has been classified as a Variant of Uncertain Significance.

NM_000548.5(TSC2):c.3248T>C (p.Leu1083Pro)

Gene: TSC2 (TSC complex subunit 2; plus strand). Cytogenetic location: 16p13.3.
Variant type: single nucleotide variant.
Coding change: c.3248T>C on transcript NM_000548.5 (MANE Select); coding-DNA position 3248, T replaced by C.
Protein change: p.Leu1083Pro; replaces leucine 1083 with proline.
Molecular consequence: missense variant.
Genome position (GRCh38, 1-based): chr16:2,079,392, T>C. VCF-style: chr16-2079392-T-C. GRCh37 (hg19) VCF-style: chr16-2129393-T-C.
Other names: c.3116T>C, p.Leu1039Pro (NM_001077183.3, NM_001370404.1); c.3248T>C, p.Leu1083Pro (NM_001114382.3); c.3008T>C, p.Leu1003Pro (NM_001318827.2); c.2972T>C, p.Leu991Pro (NM_001318829.2); c.2516T>C, p.Leu839Pro (NM_001318831.2); c.3149T>C, p.Leu1050Pro (NM_001318832.2); c.3119T>C, p.Leu1040Pro (NM_001363528.2, NM_001370405.1, NM_021055.3); short protein forms L1083P, L1003P, L1039P, L839P, L1040P, L1050P, L991P.
Identifiers: ClinVar variation 962016 (VCV000962016.10), dbSNP rs2089839896, ClinGen allele CA394286121.